The following is an entry in ClinVar:

NM_003906.5(MCM3AP):c.3228dup (p.Asp1077Ter)

Gene: MCM3AP (minichromosome maintenance complex component 3 associated protein; minus strand). Cytogenetic location: 21q22.3.
Variant type: Duplication.
Coding change: c.3228dup on transcript NM_003906.5 (MANE Select); coding-DNA position 3228, one base duplicated (T; older notation c.3228dupT).
Protein change: p.Asp1077Ter; replaces aspartic acid 1077 with a stop codon.
Molecular consequence: nonsense.
Genome position (GRCh38, 1-based): chr21:46,265,327, A duplicated on the plus strand (T on the coding strand, the reverse complement: MCM3AP is on the minus strand). VCF-style (leftmost placement, unchanged base first): chr21-46265326-C-CA. GRCh37 (hg19) VCF-style: chr21-47685240-C-CA.
Other names: short protein forms D1077*.
Identifiers: ClinVar variation 2273525 (VCV002273525.4), dbSNP rs2517386716, ClinGen allele CA2577631970.

ClinVar aggregate classification (germline): Pathogenic. Review status: criteria provided, multiple submitters, no conflicts (2 of 4 stars). 2 submissions from 2 submitters: Pathogenic (2). Last evaluated 2024-11-04.

Conditions:
Inborn genetic diseases. Identifiers: MedGen C0950123, MeSH D030342.

Submissions (2):

Labcorp Genetics (formerly Invitae), Labcorp
Classification: Pathogenic. Last evaluated: 2024-11-04. Review status: criteria provided, single submitter. Criteria: Invitae Variant Classification Sherloc (09022015). Collection method: clinical testing. Allele origin: germline.
Comment: This sequence change creates a premature translational stop signal (p.Asp1077*) in the MCM3AP gene. It is expected to result in an absent or disrupted protein product. Loss-of-function variants in MCM3AP are known to be pathogenic (PMID: 28633435). This variant is not present in population databases (gnomAD no frequency). This variant has not been reported in the literature in individuals affected with MCM3AP-related conditions. ClinVar contains an entry for this variant (Variation ID: 2273525). For these reasons, this variant has been classified as Pathogenic.

Ambry Genetics
Classification: Pathogenic for Inborn genetic diseases. Last evaluated: 2022-03-11. Review status: criteria provided, single submitter. Criteria: Ambry Variant Classification Scheme 2023. Collection method: clinical testing. Allele origin: germline.
Comment: The c.3228dupT (p.D1077*) alteration, located in exon 12 (coding exon 12) of the MCM3AP gene, consists of a duplication of T at position 3228. This changes the amino acid from an aspartic acid (D) to a stop codon at amino acid position 1077. This alteration is expected to result in loss of function by premature protein truncation or nonsense-mediated mRNA decay. This variant was not reported in population-based cohorts in the Genome Aggregation Database (gnomAD). Based on the available evidence, this alteration is classified as pathogenic.

Literature cited by the submitters: PubMed 28633435 (cited by Labcorp Genetics (formerly Invitae), Labcorp).